The following is an entry in ClinVar:

NM_001375524.1(TRRAP):c.7181C>G (p.Pro2394Arg)

Gene: TRRAP (transformation/transcription domain associated protein; plus strand). Cytogenetic location: 7q22.1.
Variant type: single nucleotide variant.
Coding change: c.7181C>G on transcript NM_001375524.1 (MANE Select); coding-DNA position 7181, C replaced by G.
Protein change: p.Pro2394Arg; replaces proline 2394 with arginine.
Molecular consequence: missense variant.
Genome position (GRCh38, 1-based): chr7:98,967,045, C>G. VCF-style: chr7-98967045-C-G. GRCh37 (hg19) VCF-style: chr7-98564668-C-G.
Other names: c.7160C>G, p.Pro2387Arg (NM_001244580.2); c.7106C>G, p.Pro2369Arg (NM_003496.4); short protein forms P2369R, P2387R, P2394R.
Identifiers: ClinVar variation 3384307 (VCV003384307.1).

ClinVar aggregate classification (germline): Uncertain significance (1 of 4 stars; one submission).

Submission:

GeneDx
Classification: Uncertain significance. Last evaluated: 2024-06-07. Review status: criteria provided, single submitter. Criteria: GeneDx Variant Classification Process June 2021. Collection method: clinical testing. Allele origin: germline. Affected: yes.
Comment: Not observed at significant frequency in large population cohorts (gnomAD); In silico analysis supports that this missense variant has a deleterious effect on protein structure/function; Has not been previously published as pathogenic or benign to our knowledge